The following is an entry in ClinVar:

NM_005378.6(MYCN):c.157T>A (p.Phe53Ile)

Genes: MYCN (MYCN proto-oncogene, bHLH transcription factor; plus strand), MYCNOS (MYCN opposite strand; minus strand). Cytogenetic location: 2p24.3.
Variant type: single nucleotide variant.
Coding change: c.157T>A on transcript NM_005378.6 (MANE Select); coding-DNA position 157, T replaced by A.
Protein change: p.Phe53Ile; replaces phenylalanine 53 with isoleucine.
Molecular consequence: missense variant. On other transcripts: non-coding transcript variant (1), 3 prime UTR variant (1), intron variant (1).
Genome position (GRCh38, 1-based): chr2:15,942,221, T>A. VCF-style: chr2-15942221-T-A. GRCh37 (hg19) VCF-style: chr2-16082343-T-A.
Other names: c.157T>A, p.Phe53Ile (NM_001293228.2); c.*92T>A (NM_001293233.2); c.157+1478T>A (NM_001293231.2); short protein forms F53I.
Identifiers: ClinVar variation 1804255 (VCV001804255.1), dbSNP rs2103323917, ClinGen allele CA345930283.
Genomic context (GRCh38, chr2:15,942,221, plus strand): 5'-GATGACTTCTACTTCGGCGGCCCCGACTCGACCCCCCCGGGGGAGGACATCTGGAAGAAG[T>A]TTGAGCTGCTGCCCACGCCCCCGCTGTCGCCCAGCCGTGGCTTCGCGGAGCACAGCTCCG-3'
Protein context (NP_005369.2, residues 43-63): TPPGEDIWKK[Phe53Ile]ELLPTPPLSP

ClinVar aggregate classification (germline): Uncertain significance (1 of 4 stars; one submission).

Submission:

GeneDx
Classification: Uncertain significance. Last evaluated: 2022-06-17. Review status: criteria provided, single submitter. Criteria: GeneDx Variant Classification Process June 2021. Collection method: clinical testing. Allele origin: germline. Affected: yes.
Comment: Not observed at significant frequency in large population cohorts (gnomAD); In silico analysis supports that this missense variant has a deleterious effect on protein structure/function; Has not been previously published as pathogenic or benign to our knowledge